The following is an entry in ClinVar:

NM_025099.6(CTC1):c.1064T>C (p.Leu355Pro)

Gene: CTC1 (CST telomere replication complex component 1; minus strand). Cytogenetic location: 17p13.1.
Variant type: single nucleotide variant.
Coding change: c.1064T>C on transcript NM_025099.6 (MANE Select); coding-DNA position 1064, T replaced by C.
Protein change: p.Leu355Pro; replaces leucine 355 with proline.
Molecular consequence: missense variant. On other transcripts: non-coding transcript variant (1).
Genome position (GRCh38, 1-based): chr17:8,236,071, A>G on the plus strand (T>C on the coding strand, the complement: CTC1 is on the minus strand). VCF-style: chr17-8236071-A-G. GRCh37 (hg19) VCF-style: chr17-8139389-A-G.
Other names: c.1064T>C, p.Leu355Pro (NM_001411067.1); short protein forms L355P.
Identifiers: ClinVar variation 2059380 (VCV002059380.1), dbSNP rs2151522788, ClinGen allele CA397987768.

ClinVar aggregate classification (germline): Uncertain significance (1 of 4 stars; one submission).

Conditions:
Dyskeratosis congenita. Identifiers: Orphanet 1775, MedGen C0265965, MONDO:0015780.

Allele frequency attached by ClinVar (database versions not stated): gnomAD exomes below 0.00001.
gnomAD v4.1: 1 of 1,613,662 alleles (0.000062%); highest among the groups gnomAD compares: Non-Finnish European, 0.000085%; no homozygotes.

Submission:

Labcorp Genetics (formerly Invitae), Labcorp
Classification: Uncertain significance for Dyskeratosis congenita. Last evaluated: 2022-07-30. Review status: criteria provided, single submitter. Criteria: Invitae Variant Classification Sherloc (09022015). Collection method: clinical testing. Allele origin: germline.
Comment: This sequence change replaces leucine, which is neutral and non-polar, with proline, which is neutral and non-polar, at codon 355 of the CTC1 protein (p.Leu355Pro). This variant is not present in population databases (gnomAD no frequency). This variant has not been reported in the literature in individuals affected with CTC1-related conditions. Algorithms developed to predict the effect of missense changes on protein structure and function are either unavailable or do not agree on the potential impact of this missense change (SIFT: "Deleterious"; PolyPhen-2: "Probably Damaging"; Align-GVGD: "Class C0"). In summary, the available evidence is currently insufficient to determine the role of this variant in disease. Therefore, it has been classified as a Variant of Uncertain Significance.